The following is an entry in ClinVar:

NM_000447.3(PSEN2):c.307G>A (p.Val103Ile)

Gene: PSEN2 (presenilin 2; plus strand). Cytogenetic location: 1q42.13.
Variant type: single nucleotide variant.
Coding change: c.307G>A on transcript NM_000447.3 (MANE Select); coding-DNA position 307, G replaced by A.
Protein change: p.Val103Ile; replaces valine 103 with isoleucine.
Molecular consequence: missense variant.
Genome position (GRCh38, 1-based): chr1:226,883,870, G>A. VCF-style: chr1-226883870-G-A. GRCh37 (hg19) VCF-style: chr1-227071571-G-A.
Other names: c.307G>A, p.Val103Ile (NM_012486.3); short protein forms V103I.
Identifiers: ClinVar variation 1678072 (VCV001678072.3), dbSNP rs2102672806, ClinGen allele CA345329810.

ClinVar aggregate classification (germline): Uncertain significance. Review status: criteria provided, multiple submitters, no conflicts (2 of 4 stars). 2 submissions from 2 submitters: Uncertain significance (2). Last evaluated 2025-01-05.

Conditions:
Alzheimer disease 4 (AD4). Identifiers: Orphanet 1020, MedGen C1847200, MONDO:0011743, OMIM 606889.

Allele frequency attached by ClinVar (database versions not stated): gnomAD exomes below 0.00001.
gnomAD v4.1: 2 of 1,606,068 alleles (0.00012%); highest among the groups gnomAD compares: Non-Finnish European, 0.00017%; no homozygotes.

Submissions (2):

Labcorp Genetics (formerly Invitae), Labcorp
Classification: Uncertain significance for Alzheimer disease 4. Last evaluated: 2025-01-05. Review status: criteria provided, single submitter. Criteria: Invitae Variant Classification Sherloc (09022015). Collection method: clinical testing. Allele origin: germline.
Comment: This sequence change replaces valine, which is neutral and non-polar, with isoleucine, which is neutral and non-polar, at codon 103 of the PSEN2 protein (p.Val103Ile). This variant is not present in population databases (gnomAD no frequency). This variant has not been reported in the literature in individuals affected with PSEN2-related conditions. ClinVar contains an entry for this variant (Variation ID: 1678072). Invitae Evidence Modeling of protein sequence and biophysical properties (such as structural, functional, and spatial information, amino acid conservation, physicochemical variation, residue mobility, and thermodynamic stability) indicates that this missense variant is not expected to disrupt PSEN2 protein function with a negative predictive value of 80%. In summary, the available evidence is currently insufficient to determine the role of this variant in disease. Therefore, it has been classified as a Variant of Uncertain Significance.

AiLife Diagnostics
Classification: Uncertain significance. Last evaluated: 2022-03-23. Review status: criteria provided, single submitter. Criteria: ACMG Guidelines, 2015. Collection method: clinical testing. Allele origin: germline. Affected: yes. Observed: 1 variant allele.